The following is an entry in ClinVar:

ClinVar aggregate classification (germline): Uncertain significance. Review status: criteria provided, multiple submitters, no conflicts (2 of 4 stars). 4 submissions from 4 submitters: Uncertain significance (4). Last evaluated 2025-12-16.

Conditions:
Cardiovascular phenotype. Identifiers: MedGen CN230736.
Long QT syndrome (LQTS). Identifiers: MedGen C0023976, MeSH D008133, MONDO:0002442. Disease mechanism: loss of function. Inheritance: Various modes of inheritance.
Cardiac arrhythmia, ankyrin-B-related. Also called: ANKYRIN-B SYNDROME. Identifiers: Orphanet 101016, Orphanet 768, MedGen C1970119, MONDO:0010958, OMIM 600919.

Allele frequency attached by ClinVar (database versions not stated): gnomAD exomes 0.00002 and 0.00005; gnomAD 0.00001; ExAC 0.00002.
gnomAD v4.1: 24 of 1,613,922 alleles (0.0015%); highest among the groups gnomAD compares: East Asian, 0.033%; no homozygotes.

Submissions (4):

Labcorp Genetics (formerly Invitae), Labcorp
Classification: Uncertain significance for Long QT syndrome. Last evaluated: 2025-12-16. Review status: criteria provided, single submitter. Criteria: Invitae Variant Classification Sherloc (09022015). Collection method: clinical testing. Allele origin: germline.
Comment: This sequence change replaces arginine, which is basic and polar, with glutamine, which is neutral and polar, at codon 895 of the ANK2 protein (p.Arg895Gln). This variant is present in population databases (rs751513548, gnomAD 0.03%). This missense change has been observed in individual(s) with clinical features of arrhythmia or cardiomyopathy (PMID: 27784853, 32183154). ClinVar contains an entry for this variant (Variation ID: 190554). Invitae Evidence Modeling of protein sequence and biophysical properties (such as structural, functional, and spatial information, amino acid conservation, physicochemical variation, residue mobility, and thermodynamic stability) indicates that this missense variant is not expected to disrupt ANK2 protein function with a negative predictive value of 80%. In summary, the available evidence is currently insufficient to determine the role of this variant in disease. Therefore, it has been classified as a Variant of Uncertain Significance.

Fulgent Genetics
Classification: Uncertain significance for Cardiac arrhythmia, ankyrin-B-related. Last evaluated: 2022-04-25. Review status: criteria provided, single submitter. Criteria: ACMG Guidelines, 2015. Collection method: clinical testing. Allele origin: unknown.

Ambry Genetics
Classification: Uncertain significance for Cardiovascular phenotype. Last evaluated: 2021-07-30. Review status: criteria provided, single submitter. Criteria: Ambry Variant Classification Scheme 2023. Collection method: clinical testing. Allele origin: germline.
Comment: (Ichikawa, 2016; Hirono, 2020). Unlikely to be causative of ANK2-related neurodevelopmental disorder (AD) Based on insufficient or conflicting evidence, the clinical significance of this alteration remains unclear.

GeneDx
Classification: Uncertain significance. Last evaluated: 2012-03-07. Review status: criteria provided, single submitter. Criteria: GeneDx Variant Classification (06012015). Collection method: clinical testing. Allele origin: germline. Affected: yes.
Comment: The Arg895Gln variant in the ANK2 gene has not been reported previously as a disease-causing mutation or as a benign polymorphism, to our knowledge. Arg895Gln results in a semi-conservative amino acid substitution of a positively charged Arginine residue with a neutral, polar Glutamine residue at a position that is class conserved throughout evolution. In silico analysis predicts Arg895Gln is possibly damaging to the protein structure/function (Adzhubei I et al., 2010; Schwarz J et al., 2011). Additionally, the NHLBI ESP Exome Variant Server reports Arg895Gln was not observed in approximately 5,000 samples from individuals of European and African American backgrounds, indicating it is not a common benign variant in these populations. Nevertheless, no mutations in surrounding residues have been reported in association with LQTS to date, indicating this region of the protein may be tolerant of change. In summary, with the clinical and molecular information available at this time, we cannot unequivocally determine the clinical significance of the Arg895Gln variant. The variant is found in LQT panel(s).

Literature cited by the submitters: PubMed 27784853 (cited by Labcorp Genetics (formerly Invitae), Labcorp and Ambry Genetics); PubMed 32183154 (cited by Labcorp Genetics (formerly Invitae), Labcorp and Ambry Genetics).

NM_001148.6(ANK2):c.2684G>A (p.Arg895Gln)

Gene: ANK2 (ankyrin 2; plus strand). Cytogenetic location: 4q26.
Variant type: single nucleotide variant.
Coding change: c.2684G>A on transcript NM_001148.6 (MANE Select); coding-DNA position 2684, G replaced by A.
Protein change: p.Arg895Gln; replaces arginine 895 with glutamine.
Molecular consequence: missense variant.
Genome position (GRCh38, 1-based): chr4:113,311,390, G>A. VCF-style: chr4-113311390-G-A. GRCh37 (hg19) VCF-style: chr4-114232546-G-A.
Other names: p.R895Q:CGA>CAA; c.311G>A, p.Arg104Gln (NM_001354281.2, NM_001354282.2, NM_001354278.2 and 2 more transcripts); c.2597G>A, p.Arg866Gln (NM_001386142.1, NM_001386146.1, NM_001386149.1 and 10 more transcripts); c.2621G>A, p.Arg874Gln (NM_001386143.1, NM_001386161.1, NM_001127493.3 and 10 more transcripts); c.2729G>A, p.Arg910Gln (NM_001386144.1, NM_001386152.1, NM_001354230.2 and 5 more transcripts); c.2642G>A, p.Arg881Gln (NM_001386147.1, NM_001386160.1, NM_001354261.2); c.2672G>A, p.Arg891Gln (NM_001386148.2, NM_001386186.2); c.2498G>A, p.Arg833Gln (NM_001386151.1, NM_001354260.2, NM_001354271.2); and 10 more; short protein forms R874Q, R895Q, R825Q, R881Q, R800Q, R841Q, R104Q, R829Q.
Identifiers: ClinVar variation 190554 (VCV000190554.11), dbSNP rs751513548, ClinGen allele CA300830.